The following is an entry in ClinVar:

NM_002691.4(POLD1):c.905G>A (p.Gly302Glu)

Gene: POLD1 (DNA polymerase delta 1, catalytic subunit; plus strand). Cytogenetic location: 19q13.33.
Variant type: single nucleotide variant.
Coding change: c.905G>A on transcript NM_002691.4 (MANE Select); coding-DNA position 905, G replaced by A.
Protein change: p.Gly302Glu; replaces glycine 302 with glutamic acid.
Molecular consequence: missense variant. On other transcripts: non-coding transcript variant (1).
Genome position (GRCh38, 1-based): chr19:50,402,676, G>A. VCF-style: chr19-50402676-G-A. GRCh37 (hg19) VCF-style: chr19-50905933-G-A.
Other names: c.905G>A, p.Gly302Glu (NM_001256849.1, NM_001308632.1); short protein forms G302E.
Identifiers: ClinVar variation 3421961 (VCV003421961.1).

ClinVar aggregate classification (germline): Uncertain significance (1 of 4 stars; one submission).

Conditions:
Hereditary cancer-predisposing syndrome. Also called: Neoplastic Syndromes, Hereditary; Tumor predisposition; Hereditary Cancer Syndrome; Hereditary neoplastic syndrome. Identifiers: Orphanet 140162, MedGen C0027672, MeSH D009386, MONDO:0015356.

Submission:

Ambry Genetics
Classification: Uncertain significance for Hereditary cancer-predisposing syndrome. Last evaluated: 2024-09-01. Review status: criteria provided, single submitter. Criteria: Ambry Variant Classification Scheme 2023. Collection method: clinical testing. Allele origin: germline.
Comment: The p.G302E variant (also known as c.905G>A), located in coding exon 7 of the POLD1 gene, results from a G to A substitution at nucleotide position 905. The glycine at codon 302 is replaced by glutamic acid, an amino acid with similar properties. This amino acid position is conserved. In addition, this alteration is predicted to be tolerated by in silico analysis. Based on the available evidence, the clinical significance of this variant remains unclear.